The following is an entry in ClinVar:

NM_006904.7(PRKDC):c.1915G>A (p.Ala639Thr)

Gene: PRKDC (protein kinase, DNA-activated, catalytic subunit; minus strand). Cytogenetic location: 8q11.21.
Variant type: single nucleotide variant.
Coding change: c.1915G>A on transcript NM_006904.7 (MANE Select); coding-DNA position 1915, G replaced by A.
Protein change: p.Ala639Thr; replaces alanine 639 with threonine.
Molecular consequence: missense variant.
Genome position (GRCh38, 1-based): chr8:47,929,990, C>T on the plus strand (G>A on the coding strand, the complement: PRKDC is on the minus strand). VCF-style: chr8-47929990-C-T. GRCh37 (hg19) VCF-style: chr8-48842550-C-T.
Other names: c.1915G>A, p.Ala639Thr (NM_001081640.2); short protein forms A639T.
Identifiers: ClinVar variation 1782577 (VCV001782577.2), dbSNP rs1185339260, ClinGen allele CA371164412.

ClinVar aggregate classification (germline): Uncertain significance (1 of 4 stars; one submission).

Allele frequency attached by ClinVar (database versions not stated): gnomAD 0.00001; gnomAD exomes 0.00001.
gnomAD v4.1: 8 of 1,606,260 alleles (0.0005%); highest among the groups gnomAD compares: Non-Finnish European, 0.00068%; no homozygotes.

Submission:

Ambry Genetics
Classification: Uncertain significance. Last evaluated: 2022-08-24. Review status: criteria provided, single submitter. Criteria: Ambry Variant Classification Scheme 2023. Collection method: clinical testing. Allele origin: germline.
Comment: The p.A639T variant (also known as c.1915G>A), located in coding exon 18 of the PRKDC gene, results from a G to A substitution at nucleotide position 1915. The alanine at codon 639 is replaced by threonine, an amino acid with similar properties. This amino acid position is conserved. In addition, this alteration is predicted to be tolerated by in silico analysis. Since supporting evidence is limited at this time, the clinical significance of this alteration remains unclear.